The following is an entry in ClinVar:

NM_001136219.3(FCGR2A):c.386C>T (p.Pro129Leu)

Gene: FCGR2A (Fc gamma receptor IIa; plus strand). Cytogenetic location: 1q23.3.
Variant type: single nucleotide variant.
Coding change: c.386C>T on transcript NM_001136219.3 (MANE Select); coding-DNA position 386, C replaced by T.
Protein change: p.Pro129Leu; replaces proline 129 with leucine.
Molecular consequence: missense variant.
Genome position (GRCh38, 1-based): chr1:161,509,841, C>T. VCF-style: chr1-161509841-C-T. GRCh37 (hg19) VCF-style: chr1-161479631-C-T.
Other names: c.386C>T, p.Pro129Leu (NM_001375296.1); c.383C>T, p.Pro128Leu (NM_001375297.1, NM_021642.5); short protein forms P128L, P129L.
Identifiers: ClinVar variation 3629692 (VCV003629692.1).

ClinVar aggregate classification (germline): Uncertain significance (1 of 4 stars; one submission).

gnomAD v4.1: 41 of 1,614,080 alleles (0.0025%); highest among the groups gnomAD compares: Non-Finnish European, 0.0034%; no homozygotes.

Submission:

Women's Health and Genetics/Laboratory Corporation of America, LabCorp
Classification: Uncertain significance. Last evaluated: 2024-11-12. Review status: criteria provided, single submitter. Criteria: LabCorp Variant Classification Summary - May 2015. Collection method: clinical testing. Allele origin: germline.
Comment: Variant summary: FCGR2A c.383C>T (p.Pro128Leu) results in a non-conservative amino acid change located in the Second immunoglobulin (Ig)-like domain of the encoded protein sequence. Three of five in-silico tools predict a benign effect of the variant on protein function. The variant allele was found at a frequency of 8e-06 in 251482 control chromosomes. The available data on variant occurrences in the general population are insufficient to allow any conclusion about variant significance. To our knowledge, no occurrence of c.383C>T in individuals affected with FCGR2A-Related Disorders and no experimental evidence demonstrating its impact on protein function have been reported. No submitters have cited clinical-significance assessments for this variant to ClinVar. Based on the evidence outlined above, the variant was classified as uncertain significance.